The following is an entry in ClinVar:

ClinVar aggregate classification (germline): Benign/Likely benign. Review status: criteria provided, multiple submitters, no conflicts (2 of 4 stars). 12 submissions from 11 submitters: Benign (1); Likely benign (10). 1 of the submissions does not count toward it. Last evaluated 2026-05-01.

Conditions:
Melnick-Fraser syndrome (BOR). Also called: Branchiootorenal Syndrome (BORS); Branchio-oto-renal syndrome; Branchiootorenal syndrome. Identifiers: Orphanet 107, MedGen C0265234, MONDO:0007029.
EYA1-related disorder. Also called: EYA1-related condition.
Developmental cataract. Also called: Congenital cataract; Bilateral cataracts; Congenital cataracts. Identifiers: MedGen C0009691, HP:0000519.
Otofaciocervical syndrome 1 (OTFCS). Identifiers: MedGen C3714941, MONDO:0024532, OMIM 166780.
Branchiootic syndrome 1 (BOS1). Also called: BO SYNDROME 1; BRANCHIOOTIC DYSPLASIA. Identifiers: MedGen C1865143, MONDO:0011258, OMIM 602588.

Allele frequency attached by ClinVar (database versions not stated): ESP Exome Variant Server 0.00054; 1000 Genomes Project 0.00060; 1000 Genomes Project 30x 0.00062; gnomAD 0.00069 and 0.00071; ExAC 0.00072; gnomAD exomes 0.00078; TOPMed 0.00085.
gnomAD v4.1: 2,004 of 1,614,036 alleles (0.12%); highest among the groups gnomAD compares: Non-Finnish European, 0.16%; 2 homozygotes.

Submissions (12):

CeGaT Center for Human Genetics Tuebingen
Classification: Likely benign. Last evaluated: 2026-05-01. Review status: criteria provided, single submitter. Criteria: CeGaT Center For Human Genetics Tuebingen Variant Classification Criteria Version 2. Collection method: clinical testing. Allele origin: germline. Affected: yes. Observed: 2 variant alleles.
Comment: EYA1: PM5, BS1, BS2

Labcorp Genetics (formerly Invitae), Labcorp
Classification: Likely benign for Melnick-Fraser syndrome. Last evaluated: 2026-01-26. Review status: criteria provided, single submitter. Criteria: Invitae Variant Classification Sherloc (09022015). Collection method: clinical testing. Allele origin: germline.

Mayo Clinic Laboratories, Mayo Clinic
Classification: Likely benign. Last evaluated: 2025-09-26. Review status: criteria provided, single submitter. Criteria: ACMG Guidelines, 2015. Collection method: clinical testing. Allele origin: germline. Observed: 2 variant alleles.
Comment: BS1

PreventionGenetics, part of Exact Sciences
Classification: Likely benign for EYA1-related condition. Last evaluated: 2025-04-09. Review status: criteria provided, single submitter. Criteria: ACMG Guidelines, 2015. Collection method: clinical testing. Allele origin: germline.
Comment: This variant is classified as likely benign based on ACMG/AMP sequence variant interpretation guidelines (Richards et al. 2015 PMID: 25741868, with internal and published modifications).

Blueprint Genetics
Classification: Likely benign. Last evaluated: 2024-11-07. Review status: criteria provided, single submitter. Criteria: ACMG Guidelines, 2015. Collection method: clinical testing. Allele origin: germline.

Mendelics
Classification: Benign for Otofaciocervical syndrome 1. Last evaluated: 2023-08-22. Review status: criteria provided, single submitter. Criteria: Mendelics Assertion Criteria 2019. Collection method: clinical testing. Allele origin: germline.

GeneDx
Classification: Likely benign. Last evaluated: 2020-08-17. Review status: criteria provided, single submitter. Criteria: GeneDx Variant Classification Process June 2021. Collection method: clinical testing. Allele origin: germline. Affected: yes.
Comment: This variant is associated with the following publications: (PMID: 24429398, 18220287, 15146463, 22995991, 24123792, 26489027, 9361030, 29966037)

Laboratory for Molecular Medicine, Mass General Brigham Personalized Medicine
Classification: Likely benign. Last evaluated: 2019-04-12. Review status: criteria provided, single submitter. Criteria: LMM Criteria. Collection method: clinical testing. Allele origin: germline. Observed: 6 variant alleles.
Comment: The p.Ser487Leu variant in EYA1 is classified as likely benign because it is present in 0.13% (177/129002) of European chromosomes by gnomAD. This variant has been reported in 1 individual with Branchio-oto-renal syndrome, 2 individuals with hearing loss, and 4 individuals with vesicouretal reflux/CAKUT (Chang 2004, Neveling 2013, Hwang 2014, Nicolaou 2016). It has also been identified in 1 individual with ear abnormalities and hypoplastic kidneys who also had a 2q23 microdeletion and a de novo pathogenic variant in the CHD7 gene; the p.Ser487Leu variant segregated in the father with branchial cyst and duplication of renal collecting system (Badilla-Porras 2012). This variant has been reported by our laboratory in 2 unrelated Caucasian individuals with sensorineural hearing loss due to alternate genetic etiologies as well as in an unaffected parent. In summary, the frequency data and identification of this variant in individuals with an alternate genetic etiology and unaffected parent support a likely benign classification, despite the reports in the literature. ACMG/AMP Criteria applied: BA1, BS2_Supporting, BP5, PS4_Supporting.

Center for Pediatric Genomic Medicine, Children's Mercy Hospital and Clinics
Classification: Likely benign. Last evaluated: 2017-05-02. Review status: criteria provided, single submitter. Criteria: ACMG Guidelines, 2015. Collection method: clinical testing. Allele origin: germline.

Illumina Laboratory Services, Illumina
Classification: Likely benign for Otofaciocervical syndrome 1. Last evaluated: 2017-04-27. Review status: criteria provided, single submitter. Criteria: ICSL Variant Classification Criteria 13 December 2019. Collection method: clinical testing. Allele origin: germline.
Comment: This variant was observed as part of a predisposition screen in an ostensibly healthy population. A literature search was performed for the gene, cDNA change, and amino acid change (where applicable). No publications were found based on this search. Allele frequency data from public databases allowed determination this variant is unlikely to cause disease. Therefore, this variant is classified as likely benign.

Illumina Laboratory Services, Illumina
Classification: Likely benign for Branchiootic syndrome. Last evaluated: 2017-04-27. Review status: criteria provided, single submitter. Criteria: ICSL Variant Classification Criteria 13 December 2019. Collection method: clinical testing. Allele origin: germline.
Comment: the same text as in the submission from Illumina Laboratory Services, Illumina above.

Dept. Genetics and Cancer, Menzies Institute for Medical Research, University of Tasmania
Classification: Benign for Developmental cataract. Last evaluated: 2021-05-01. Review status: no assertion criteria provided. Criteria: ACMG Guidelines, 2015. Collection method: research. Allele origin: germline. Affected: yes. Not counted in ClinVar's aggregate classification.
Comment: BS4, BP4, BS1. Lack of segregation in affected family members, multiple predictive tools assessing the variant as non-damaging/benign. Present in population databases more than expected for the condition.

Literature cited by the submitters: PubMed 15146463 (cited by Mayo Clinic Laboratories, Mayo Clinic and Laboratory for Molecular Medicine, Mass General Brigham Personalized Medicine); PubMed 18220287 (cited by Mayo Clinic Laboratories, Mayo Clinic and Laboratory for Molecular Medicine, Mass General Brigham Personalized Medicine); PubMed 22995991 (cited by Mayo Clinic Laboratories, Mayo Clinic); PubMed 24429398 (cited by Mayo Clinic Laboratories, Mayo Clinic and Laboratory for Molecular Medicine, Mass General Brigham Personalized Medicine); PubMed 26489027 (cited by Mayo Clinic Laboratories, Mayo Clinic and Laboratory for Molecular Medicine, Mass General Brigham Personalized Medicine); PubMed 29307893 (cited by Mayo Clinic Laboratories, Mayo Clinic); PubMed 29966037 (cited by Mayo Clinic Laboratories, Mayo Clinic and Laboratory for Molecular Medicine, Mass General Brigham Personalized Medicine); PubMed 30476936 (cited by Mayo Clinic Laboratories, Mayo Clinic); PubMed 9361030 (cited by Mayo Clinic Laboratories, Mayo Clinic and Laboratory for Molecular Medicine, Mass General Brigham Personalized Medicine); PubMed 24123792 (cited by Laboratory for Molecular Medicine, Mass General Brigham Personalized Medicine).

NM_000503.6(EYA1):c.1460C>T (p.Ser487Leu)

Gene: EYA1 (EYA transcriptional coactivator and phosphatase 1; minus strand). Cytogenetic location: 8q13.3.
Variant type: single nucleotide variant.
Coding change: c.1460C>T on transcript NM_000503.6 (MANE Select); coding-DNA position 1460, C replaced by T.
Protein change: p.Ser487Leu; replaces serine 487 with leucine.
Molecular consequence: missense variant.
Genome position (GRCh38, 1-based): chr8:71,215,629, G>A on the plus strand (C>T on the coding strand, the complement: EYA1 is on the minus strand). VCF-style: chr8-71215629-G-A. GRCh37 (hg19) VCF-style: chr8-72127864-G-A.
Other names: c.1460C>T (NM_172058.3); c.1442C>T, p.Ser481Leu (NM_001288574.2, NM_172059.5); c.1094C>T, p.Ser365Leu (NM_001288575.2); c.1547C>T, p.Ser516Leu (NM_001370333.1); c.1460C>T, p.Ser487Leu (NM_001370334.1, NM_001370335.1, NM_172058.4); c.1439C>T, p.Ser480Leu (NM_001370336.1); short protein forms S487L, S365L, S480L, S516L, S481L.
Identifiers: ClinVar variation 228678 (VCV000228678.52), dbSNP rs139717960, ClinGen allele CA4779462.